The following is an entry in ClinVar:

NM_201253.3(CRB1):c.2291G>A (p.Arg764His)

Gene: CRB1 (crumbs cell polarity complex component 1; plus strand). Cytogenetic location: 1q31.3.
Variant type: single nucleotide variant.
Coding change: c.2291G>A on transcript NM_201253.3 (MANE Select); coding-DNA position 2291, G replaced by A.
Protein change: p.Arg764His; replaces arginine 764 with histidine.
Molecular consequence: missense variant. On other transcripts: non-coding transcript variant (2), intron variant (1).
Genome position (GRCh38, 1-based): chr1:197,427,616, G>A. VCF-style: chr1-197427616-G-A. GRCh37 (hg19) VCF-style: chr1-197396746-G-A.
Other names: c.1955G>A, p.Arg652His (NM_001193640.2); c.2084G>A, p.Arg695His (NM_001257965.2); c.2128+5660G>A (NM_001257966.2); short protein forms R764H, R695H, R652H.
Identifiers: ClinVar variation 166958 (VCV000166958.20), dbSNP rs375040930, ClinGen allele CA233861.
Genomic context (GRCh38, chr1:197,427,616, plus strand): 5'-GAACGCTTCAACCATCAGGCTTACTTCTAGCTTTGGAAAACAGCACTTATCAATATATCC[G>A]TGTCTGGCTAGAGCGCGGCAGACTAGCAATGCTGACTCCAAACTCTCCCAAATTAGTAGT-3'
Protein context (NP_957705.1, residues 754-774): ALENSTYQYI[Arg764His]VWLERGRLAM

ClinVar aggregate classification (germline): Conflicting classifications of pathogenicity. Review status: criteria provided, conflicting classifications (1 of 4 stars). 9 submissions from 9 submitters: Pathogenic (4); Likely pathogenic (3); Uncertain significance (1). 1 of the submissions does not count toward it. Last evaluated 2025-05-20.

Conditions:
CRB1-related disorder. Also called: CRB1-related condition; CRB1-related disorders.
Retinitis pigmentosa 12 (RP12). Also called: RP WITH OR WITHOUT PPRPE; RP WITH OR WITHOUT PRESERVED PARAARTERIOLE RETINAL PIGMENT EPITHELIUM; RETINITIS PIGMENTOSA WITH OR WITHOUT PARAARTERIOLAR PRESERVATION OF RETINAL PIGMENT EPITHELIUM. Identifiers: Orphanet 791, MedGen C1838647, MONDO:0010818, OMIM 600105.
Leber congenital amaurosis 8 (LCA8). Identifiers: Orphanet 65, MedGen C3151202, MONDO:0013453, OMIM 613835.
Pigmented paravenous retinochoroidal atrophy. Identifiers: Orphanet 251295, MedGen C1868310, MONDO:0008246, OMIM 172870.
Leber congenital amaurosis (LCA). Also called: Leber's amaurosis. Identifiers: Orphanet 65, MedGen C0339527, MeSH D057130, MONDO:0018998.

Allele frequency attached by ClinVar (database versions not stated): gnomAD exomes 0.00001; TOPMed 0.00001; gnomAD 0.00003; ESP Exome Variant Server 0.00008; ExAC 0.00002.
gnomAD v4.1: 12 of 1,613,800 alleles (0.00074%); highest among the groups gnomAD compares: African/African-American, 0.004%; no homozygotes.

Submissions (9):

Natera, Inc.
Classification: Pathogenic for Leber congenital amaurosis. Last evaluated: 2025-05-20. Review status: criteria provided, single submitter. Criteria: Natera Variant Classification Schema (03/2026). Collection method: clinical testing. Allele origin: germline.
Comment: The c.2291G>A variant in CRB1 is a missense variant predicted to cause substitution of arginine to histidine at amino acid 764. This variant is rare in the general population with a frequency below the threshold expected for the associated phenotype(s). This variant has been observed in one or more individuals affected with the associated recessive disease, as either homozygous or compound heterozygous with a second variant (PMID: 35119454, 34884448, 34315337, 30902645). Additionally, this variant has been observed to segregate in affected family members (PMID: 34884448). This variant has been found together with another disease-causing variant in the same copy of the gene (PMID: 34327195). A different variant at the same position has been determined to be Pathogenic or Likely Pathogenic. Computational prediction algorithms indicate this variant is likely to affect gene or protein function. Given the available evidence, this variant is classified as Pathogenic.

Labcorp Genetics (formerly Invitae), Labcorp
Classification: Pathogenic for Leber congenital amaurosis 8; Retinitis pigmentosa 12. Last evaluated: 2024-10-29. Review status: criteria provided, single submitter. Criteria: Invitae Variant Classification Sherloc (09022015). Collection method: clinical testing. Allele origin: germline.
Comment: This sequence change replaces arginine, which is basic and polar, with histidine, which is basic and polar, at codon 764 of the CRB1 protein (p.Arg764His). This variant is present in population databases (rs375040930, gnomAD 0.004%). This missense change has been observed in individuals with CRB1-related conditions (PMID: 23379534, 23592920, 28819299; internal data). ClinVar contains an entry for this variant (Variation ID: 166958). Invitae Evidence Modeling of protein sequence and biophysical properties (such as structural, functional, and spatial information, amino acid conservation, physicochemical variation, residue mobility, and thermodynamic stability) indicates that this missense variant is expected to disrupt CRB1 protein function with a positive predictive value of 80%. This variant disrupts the p.Arg764 amino acid residue in CRB1. Other variant(s) that disrupt this residue have been determined to be pathogenic (PMID: 1389483, 10508521, 24512366, 28341475). This suggests that this residue is clinically significant, and that variants that disrupt this residue are likely to be disease-causing. For these reasons, this variant has been classified as Pathogenic.

Fulgent Genetics
Classification: Likely pathogenic for Pigmented paravenous retinochoroidal atrophy; Retinitis pigmentosa 12; Leber congenital amaurosis 8. Last evaluated: 2024-04-15. Review status: criteria provided, single submitter. Criteria: ACMG Guidelines, 2015. Collection method: clinical testing. Allele origin: germline.

Baylor Genetics
Classification: Pathogenic for Leber congenital amaurosis 8. Last evaluated: 2023-07-20. Review status: criteria provided, single submitter. Criteria: ACMG Guidelines, 2015. Collection method: clinical testing. Allele origin: unknown.

Mendelics
Classification: Likely pathogenic for Pigmented paravenous retinochoroidal atrophy. Last evaluated: 2022-05-04. Review status: criteria provided, single submitter. Criteria: Mendelics Assertion Criteria 2019. Collection method: clinical testing. Allele origin: germline.

Blueprint Genetics
Classification: Pathogenic for CRB1-related disorders. Last evaluated: 2022-03-24. Review status: criteria provided, single submitter. Criteria: ACMG Guidelines, 2015. Collection method: clinical testing. Allele origin: germline. Affected: yes. Observed: 5 variant alleles.

Eurofins Ntd Llc (ga)
Classification: Uncertain significance. Last evaluated: 2013-12-27. Review status: criteria provided, single submitter. Criteria: EGL Classification Definitions 2015. Collection method: clinical testing. Allele origin: germline. Observed: 1 variant allele, 1 heterozygote.

Juno Genomics, Hangzhou Juno Genomics, Inc
Classification: Likely pathogenic for Leber congenital amaurosis 8; Pigmented paravenous retinochoroidal atrophy; Retinitis pigmentosa 12. Review status: criteria provided, single submitter. Criteria: ACMG Guidelines, 2015. Collection method: clinical testing. Allele origin: germline. Affected: yes.
Comment: Absent from controls (or at extremely low frequency if recessive) in Genome Aggregation Database, Exome Sequencing Project, 1000 Genomes Project, or Exome Aggregation Consortium.;Novel missense change at an amino acid residue where a different missense change determined to be pathogenic has been seen before.;For recessive disorders, detected in trans with a pathogenic variant.

Laboratory of Genetics in Ophthalmology, Institut Imagine
Classification: Likely pathogenic for Leber congenital amaurosis 8. Review status: no assertion criteria provided. Collection method: research. Allele origin: inherited. Affected: yes. Observed: 2 variant alleles. Not counted in ClinVar's aggregate classification.

Literature cited by the submitters: PubMed 35119454 (cited by Natera, Inc.); PubMed 34884448 (cited by Natera, Inc.); PubMed 34315337 (cited by Natera, Inc.); PubMed 30902645 (cited by Natera, Inc.); PubMed 34327195 (cited by Natera, Inc.); PubMed 23379534 (cited by 3 submitters); PubMed 23592920 (cited by Labcorp Genetics (formerly Invitae), Labcorp and Eurofins Ntd Llc (ga)); PubMed 28819299 (cited by Labcorp Genetics (formerly Invitae), Labcorp); PubMed 1389483 (cited by Labcorp Genetics (formerly Invitae), Labcorp); PubMed 10508521 (cited by Labcorp Genetics (formerly Invitae), Labcorp); PubMed 24512366 (cited by Labcorp Genetics (formerly Invitae), Labcorp); PubMed 28341475 (cited by Labcorp Genetics (formerly Invitae), Labcorp).